The following is an entry in ClinVar:

Conditions:
Breast-ovarian cancer, familial, susceptibility to, 1 (BROVCA1). Also called: BRCA1 Hereditary Breast and Ovarian Cancer; OVARIAN CANCER, SUSCEPTIBILITY TO. Identifiers: Orphanet 145, MedGen C2676676, MONDO:0011450, OMIM 604370. Disease mechanism: loss of function.

Submission:

Brotman Baty Institute, University of Washington
No classification provided (evidence only). Condition: Breast-ovarian cancer, familial 1. Review status: no classification provided. Collection method: in vitro. Allele origin: not applicable. Functional consequence: functionally_normal.
ClinVar note: "not provided" was previously submitted as the classification for the variant. However, the classification appeared to be based only on an observation of functional data so it was converted to no classification on 2025-07-30.

NM_007294.4(BRCA1):c.5266C>A (p.Gln1756Lys)

Gene: BRCA1 (BRCA1 DNA repair associated; minus strand). Cytogenetic location: 17q21.31.
Variant type: single nucleotide variant.
Coding change: c.5266C>A on transcript NM_007294.4 (MANE Select); coding-DNA position 5266, C replaced by A.
Protein change: p.Gln1756Lys; replaces glutamine 1756 with lysine.
Molecular consequence: missense variant. On other transcripts: non-coding transcript variant (1).
Genome position (GRCh38, 1-based): chr17:43,057,063, G>T on the plus strand (C>A on the coding strand, the complement: BRCA1 is on the minus strand). VCF-style: chr17-43057063-G-T. GRCh37 (hg19) VCF-style: chr17-41209080-G-T.
Other names: c.5053C>A, p.Gln1685Lys (NM_001407571.1, NM_001407900.1, NM_001407902.1 and 12 more transcripts); c.5332C>A, p.Gln1778Lys (NM_001407581.1, NM_001407582.1); c.5329C>A, p.Gln1777Lys (NM_001407583.1, NM_001407585.1, NM_001407587.1 and 1 more transcripts); c.5263C>A, p.Gln1755Lys (NM_001407610.1, NM_001407611.1, NM_001407612.1 and 17 more transcripts); c.5260C>A, p.Gln1754Lys (NM_001407629.1, NM_001407630.1, NM_001407631.1 and 14 more transcripts); c.5206C>A, p.Gln1736Lys (NM_001407649.1); c.5188C>A, p.Gln1730Lys (NM_001407652.1, NM_001407653.1, NM_001407654.1 and 1 more transcripts); c.5185C>A, p.Gln1729Lys (NM_001407656.1, NM_001407657.1, NM_001407658.1); and 72 more; short protein forms Q1756K, Q1709K, Q1777K, Q652K, Q1460K, Q1602K, Q1687K, Q1736K.
Identifiers: ClinVar variation 868239 (VCV000868239.3), dbSNP rs397509247, ClinGen allele CA10591024.